The following is an entry in ClinVar:

ClinVar aggregate classification (germline): Uncertain significance. Review status: criteria provided, multiple submitters, no conflicts (2 of 4 stars). 3 submissions from 3 submitters: Uncertain significance (3). Last evaluated 2025-08-20.

Conditions:
Neuropathy, hereditary sensory and autonomic, type 2A (HSAN2A). Also called: ACROOSTEOLYSIS, GIACCAI TYPE; ACROOSTEOLYSIS, NEUROGENIC; WNK1-Related HSAN2 (HSAN2A); MORVAN DISEASE; NEUROPATHY, CONGENITAL SENSORY; NEUROPATHY, HEREDITARY SENSORY RADICULAR, AUTOSOMAL RECESSIVE. Identifiers: Orphanet 970, MedGen C2752089, MONDO:0024309, OMIM 201300.
Generalized epilepsy with febrile seizures plus, type 7 (GEFSP7). Also called: GEFS+, TYPE 7. Identifiers: Orphanet 36387, MedGen C2751778, MONDO:0013470, OMIM 613863.

Allele frequency attached by ClinVar (database versions not stated): gnomAD exomes 0.00001; ExAC 0.00003.
gnomAD v4.1: 3 of 1,595,082 alleles (0.00019%); highest among the groups gnomAD compares: Admixed American, 0.0053%; no homozygotes.

Submissions (3):

Labcorp Genetics (formerly Invitae), Labcorp
Classification: Uncertain significance for Neuropathy, hereditary sensory and autonomic, type 2A; Generalized epilepsy with febrile seizures plus, type 7. Last evaluated: 2025-08-20. Review status: criteria provided, single submitter. Criteria: Invitae Variant Classification Sherloc (09022015). Collection method: clinical testing. Allele origin: germline.
Comment: This sequence change replaces glutamic acid, which is acidic and polar, with glycine, which is neutral and non-polar, at codon 1974 of the SCN9A protein (p.Glu1974Gly). This variant is present in population databases (rs755850299, gnomAD 0.01%). This variant has not been reported in the literature in individuals affected with SCN9A-related conditions. ClinVar contains an entry for this variant (Variation ID: 1315039). Invitae Evidence Modeling of protein sequence and biophysical properties (such as structural, functional, and spatial information, amino acid conservation, physicochemical variation, residue mobility, and thermodynamic stability) has been performed for this missense variant. However, the output from this modeling did not meet the statistical confidence thresholds required to predict the impact of this variant on SCN9A protein function. In summary, the available evidence is currently insufficient to determine the role of this variant in disease. Therefore, it has been classified as a Variant of Uncertain Significance.

Women's Health and Genetics/Laboratory Corporation of America, LabCorp
Classification: Uncertain significance. Last evaluated: 2023-11-01. Review status: criteria provided, single submitter. Criteria: LabCorp Variant Classification Summary - May 2015. Collection method: clinical testing. Allele origin: germline.
Comment: Variant summary: SCN9A c.5921A>G (p.Glu1974Gly) results in a non-conservative amino acid change in the encoded protein sequence. Three of five in-silico tools predict a damaging effect of the variant on protein function. The variant allele was found at a frequency of 1.3e-05 in 231016 control chromosomes. The available data on variant occurrences in the general population are insufficient to allow any conclusion about variant significance. To our knowledge, no occurrence of c.5921A>G in individuals affected with Primary Erythromelalgia and no experimental evidence demonstrating its impact on protein function have been reported. Two submitters have cited clinical-significance assessments for this variant to ClinVar after 2014. All submitters classified the variant as uncertain significance. Based on the evidence outlined above, the variant was classified as uncertain significance.

GeneDx
Classification: Uncertain significance. Last evaluated: 2020-01-31. Review status: criteria provided, single submitter. Criteria: GeneDx Variant Classification Process June 2021. Collection method: clinical testing. Allele origin: germline. Affected: yes.
Comment: In silico analysis supports that this missense variant has a deleterious effect on protein structure/function; Has not been previously published as pathogenic or benign to our knowledge

NM_001365536.1(SCN9A):c.5954A>G (p.Glu1985Gly)

Genes: SCN1A-AS1 (SCN1A and SCN9A antisense RNA 1; plus strand), SCN9A (sodium voltage-gated channel alpha subunit 9; minus strand). Cytogenetic location: 2q24.3.
Variant type: single nucleotide variant.
Coding change: c.5954A>G on transcript NM_001365536.1 (MANE Select); coding-DNA position 5954, A replaced by G.
Protein change: p.Glu1985Gly; replaces glutamic acid 1985 with glycine.
Molecular consequence: missense variant.
Genome position (GRCh38, 1-based): chr2:166,198,685, T>C on the plus strand (A>G on the coding strand, the complement: SCN9A is on the minus strand). VCF-style: chr2-166198685-T-C. GRCh37 (hg19) VCF-style: chr2-167055195-T-C.
Other names: c.5921A>G, p.Glu1974Gly (NM_002977.4); short protein forms E1974G, E1985G.
Identifiers: ClinVar variation 1315039 (VCV001315039.7), dbSNP rs755850299, ClinGen allele CA1943591.